The following is an entry in ClinVar:

ClinVar aggregate classification (germline): Likely benign (1 of 4 stars; one submission).

Conditions:
CREBBP-related disorder. Also called: CREBBP-related condition; CREBBP-related disorders.

gnomAD v4.1: 1 of 1,613,842 alleles (0.000062%); highest among the groups gnomAD compares: Non-Finnish European, 0.000085%; no homozygotes.

Submission:

PreventionGenetics, part of Exact Sciences
Classification: Likely benign for CREBBP-related condition. Last evaluated: 2026-03-26. Review status: criteria provided, single submitter. Criteria: ACMG Guidelines, 2015. Collection method: clinical testing. Allele origin: germline.
Comment: This variant is classified as likely benign based on ACMG/AMP sequence variant interpretation guidelines (Richards et al. 2015 PMID: 25741868, with internal and published modifications).

NM_004380.3(CREBBP):c.2007G>A (p.Arg669=)

Gene: CREBBP (CREB binding lysine acetyltransferase; minus strand). Cytogenetic location: 16p13.3.
Variant type: single nucleotide variant.
Coding change: c.2007G>A on transcript NM_004380.3 (MANE Select); coding-DNA position 2007, G replaced by A.
Protein change: p.Arg669=; no amino-acid change (arginine 669 retained).
Molecular consequence: synonymous variant.
Genome position (GRCh38, 1-based): chr16:3,778,117, C>T on the plus strand (G>A on the coding strand, the complement: CREBBP is on the minus strand). VCF-style: chr16-3778117-C-T. GRCh37 (hg19) VCF-style: chr16-3828118-C-T.
Other names: c.1893G>A, p.Arg631= (NM_001079846.1).
Identifiers: ClinVar variation 4997438 (VCV004997438.1).